The following is an entry in ClinVar:

ClinVar aggregate classification (germline): Uncertain significance. Review status: criteria provided, multiple submitters, no conflicts (2 of 4 stars). 2 submissions from 2 submitters: Uncertain significance (2). Last evaluated 2024-04-10.

Conditions:
Familial thoracic aortic aneurysm and aortic dissection (TAAD). Also called: Thoracic aortic aneurysms and dissections. Identifiers: Orphanet 91387, MedGen C4707243, MONDO:0019625.

Submissions (2):

All of Us Research Program, National Institutes of Health
Classification: Uncertain significance for Familial thoracic aortic aneurysm and aortic dissection. Last evaluated: 2024-04-10. Review status: criteria provided, single submitter. Criteria: ACMG Guidelines, 2015. Collection method: clinical testing. Allele origin: germline. Inheritance: Autosomal dominant inheritance. Observed: 1 variant allele, 1 heterozygote.
Comment: Variant of Uncertain Significance due to insufficient evidence: This missense variant is located in the coiled coil myosin tail domain of the MYH11 protein. Computational prediction tools and conservation analyses are inconclusive regarding the impact of this variant on the protein function. Computational splicing tools suggest that this variant may not impact RNA splicing. To our knowledge, functional assays have not been performed for this variant nor has this variant been reported in individuals affected with cardiovascular disorders in the literature. This variant is rare in the general population and has been identified in 0/277264 chromosomes by the Genome Aggregation Database (gnomAD). Available evidence is insufficient to determine the pathogenicity of this variant conclusively.

This study involves interpretation of variants in research participants for the purpose of population health screening. Participant phenotype was not available at the time of variant classification. Additional details can be found in publication PMID: 35346344, PMCID: PMC8962531

Color Diagnostics, LLC DBA Color Health
Classification: Uncertain significance for Familial thoracic aortic aneurysm and aortic dissection. Last evaluated: 2023-12-05. Review status: criteria provided, single submitter. Criteria: ACMG Guidelines, 2015. Collection method: clinical testing. Allele origin: germline.
Comment: Variant of Uncertain Significance due to insufficient evidence: This missense variant is located in the coiled coil myosin tail domain of the MYH11 protein. Computational prediction tools and conservation analyses are inconclusive regarding the impact of this variant on the protein function. Computational splicing tools suggest that this variant may not impact RNA splicing. To our knowledge, functional assays have not been performed for this variant nor has this variant been reported in individuals affected with cardiovascular disorders in the literature. This variant is rare in the general population and has been identified in 0/277264 chromosomes by the Genome Aggregation Database (gnomAD). Available evidence is insufficient to determine the pathogenicity of this variant conclusively.

NM_002474.3(MYH11):c.5120A>G (p.Asp1707Gly)

Genes: MYH11 (myosin heavy chain 11; minus strand), NDE1 (nudE neurodevelopment protein 1; plus strand). Cytogenetic location: 16p13.11.
Variant type: single nucleotide variant.
Coding change: c.5120A>G on transcript NM_002474.3 (MANE Select); coding-DNA position 5120, A replaced by G.
Protein change: p.Asp1707Gly; replaces aspartic acid 1707 with glycine.
Molecular consequence: missense variant. On other transcripts: intron variant (2).
Genome position (GRCh38, 1-based): chr16:15,719,271, T>C on the plus strand (A>G on the coding strand, the complement: MYH11 is on the minus strand). VCF-style: chr16-15719271-T-C. GRCh37 (hg19) VCF-style: chr16-15813128-T-C.
Other names: c.5141A>G, p.Asp1714Gly (NM_001040113.2, NM_001040114.2); c.5120A>G, p.Asp1707Gly (NM_022844.3); c.948-4920T>C (NM_001143979.2, NM_017668.3); short protein forms D1714G, D1707G.
Identifiers: ClinVar variation 629336 (VCV000629336.5), dbSNP rs1567691518, ClinGen allele CA394850862.